The following is an entry in ClinVar:

ClinVar aggregate classification (germline): Conflicting classifications of pathogenicity. Review status: criteria provided, conflicting classifications (1 of 4 stars). 5 submissions from 5 submitters: Uncertain significance (4); Likely benign (1). Last evaluated 2026-01-19.

Conditions:
Hereditary cancer-predisposing syndrome. Also called: Tumor predisposition; Neoplastic Syndromes, Hereditary; Hereditary Cancer Syndrome; Hereditary neoplastic syndrome. Identifiers: Orphanet 140162, MedGen C0027672, MeSH D009386, MONDO:0015356.
Familial cancer of breast. Also called: BREAST CANCER, FAMILIAL; Hereditary breast cancer; hereditary breast carcinoma. Identifiers: Orphanet 227535, MedGen C0346153, MONDO:0016419, OMIM 114480. Disease mechanism: loss of function.

Submissions (5):

Labcorp Genetics (formerly Invitae), Labcorp
Classification: Uncertain significance for Familial cancer of breast. Last evaluated: 2026-01-19. Review status: criteria provided, single submitter. Criteria: Invitae Variant Classification Sherloc (09022015). Collection method: clinical testing. Allele origin: germline.
Comment: This sequence change replaces isoleucine, which is neutral and non-polar, with valine, which is neutral and non-polar, at codon 79 of the BARD1 protein (p.Ile79Val). This variant is present in population databases (no rsID available, gnomAD no frequency). This variant has not been reported in the literature in individuals affected with BARD1-related conditions. ClinVar contains an entry for this variant (Variation ID: 629071). An algorithm developed to predict the effect of missense changes on protein structure and function outputs the following: PolyPhen-2: "Benign". The valine amino acid residue is found in multiple mammalian species, which suggests that this missense change does not adversely affect protein function. In summary, the available evidence is currently insufficient to determine the role of this variant in disease. Therefore, it has been classified as a Variant of Uncertain Significance.

Dasa
Classification: Uncertain significance. Last evaluated: 2025-05-29. Review status: criteria provided, single submitter. Criteria: DASA Assertion Criteria. Collection method: clinical testing. Allele origin: germline.
Comment: NM_000465.4(BARD1):c.235A>G (p.Ile79Val) is a missense variant that results in the substitution of isoleucine with valine. This variant is absent from population databases. Computational prediction algorithms are consistent with a benign effect. The currently available literature and clinical evidence are not sufficient to establish a definitive association between this variant and the reported condition. Therefore, this variant is classified as a variant of uncertain significance.

Ambry Genetics
Classification: Uncertain significance for Hereditary cancer-predisposing syndrome. Last evaluated: 2024-02-28. Review status: criteria provided, single submitter. Criteria: Ambry Variant Classification Scheme 2023. Collection method: clinical testing. Allele origin: germline.
Comment: The p.I79V variant (also known as c.235A>G), located in coding exon 3 of the BARD1 gene, results from an A to G substitution at nucleotide position 235. The isoleucine at codon 79 is replaced by valine, an amino acid with highly similar properties. This amino acid position is conserved. In addition, this alteration is predicted to be tolerated by in silico analysis. Based on the available evidence, the clinical significance of this alteration remains unclear.

Blueprint Genetics
Classification: Likely benign. Last evaluated: 2023-12-12. Review status: criteria provided, single submitter. Criteria: ACMG Guidelines, 2015. Collection method: clinical testing. Allele origin: germline.

Color Diagnostics, LLC DBA Color Health
Classification: Uncertain significance for Hereditary cancer-predisposing syndrome. Last evaluated: 2023-12-04. Review status: criteria provided, single submitter. Criteria: ACMG Guidelines, 2015. Collection method: clinical testing. Allele origin: germline.
Comment: This missense variant replaces isoleucine with valine at codon 79 of the BARD1 protein. Computational prediction suggests that this variant may not impact protein structure and function (internally defined REVEL score threshold <= 0.5, PMID: 27666373). To our knowledge, functional studies have not been reported for this variant. This variant has not been reported in individuals affected with BARD1-related disorders in the literature. This variant has not been identified in the general population by the Genome Aggregation Database (gnomAD). The available evidence is insufficient to determine the role of this variant in disease conclusively. Therefore, this variant is classified as a Variant of Uncertain Significance.

NM_000465.4(BARD1):c.235A>G (p.Ile79Val)

Gene: BARD1 (BRCA1 associated RING domain 1; minus strand). Cytogenetic location: 2q35.
Variant type: single nucleotide variant.
Coding change: c.235A>G on transcript NM_000465.4 (MANE Select); coding-DNA position 235, A replaced by G.
Protein change: p.Ile79Val; replaces isoleucine 79 with valine.
Molecular consequence: missense variant. On other transcripts: non-coding transcript variant (1), intron variant (2).
Genome position (GRCh38, 1-based): chr2:214,792,426, T>C on the plus strand (A>G on the coding strand, the complement: BARD1 is on the minus strand). VCF-style: chr2-214792426-T-C. GRCh37 (hg19) VCF-style: chr2-215657150-T-C.
Other names: c.178A>G, p.Ile60Val (NM_001282543.2); c.235A>G, p.Ile79Val (NM_001282549.2); c.158+16986A>G (NM_001282548.2); c.215+4635A>G (NM_001282545.2); c.235A>G (NM_000465.2); short protein forms I79V, I60V.
Identifiers: ClinVar variation 629071 (VCV000629071.18), dbSNP rs1436521124, ClinGen allele CA350461276.
Genomic context (GRCh38, chr2:214,792,426, plus strand): 5'-TATTTATCTTCAAGTCTTGTATCCAGGCCGGGGTGTAACACACTGGACATCCAGTTCCAA[T>C]GCAGTCACTTACACAATTACTTTAAAATAATTAAAAAAAAAAAAAAAAGCAACCCATTCA-3'
Protein context (NP_000456.2, residues 69-89): IFCSNCVSDC[Ile79Val]GTGCPVCYTP